The following is an entry in ClinVar:

NM_001041.4(SI):c.604C>T (p.Gln202Ter)

Gene: SI (sucrase-isomaltase; minus strand). Cytogenetic location: 3q26.1.
Variant type: single nucleotide variant.
Coding change: c.604C>T on transcript NM_001041.4 (MANE Select); coding-DNA position 604, C replaced by T.
Protein change: p.Gln202Ter; replaces glutamine 202 with a stop codon.
Molecular consequence: nonsense.
Genome position (GRCh38, 1-based): chr3:165,067,371, G>A on the plus strand (C>T on the coding strand, the complement: SI is on the minus strand). VCF-style: chr3-165067371-G-A. GRCh37 (hg19) VCF-style: chr3-164785159-G-A.
Other names: short protein forms Q202*.
Identifiers: ClinVar variation 4722445 (VCV004722445.1).

ClinVar aggregate classification (germline): Pathogenic (1 of 4 stars; one submission).

Submission:

Labcorp Genetics (formerly Invitae), Labcorp
Classification: Pathogenic. Last evaluated: 2025-10-15. Review status: criteria provided, single submitter. Criteria: Invitae Variant Classification Sherloc (09022015). Collection method: clinical testing. Allele origin: germline.
Comment: This sequence change creates a premature translational stop signal (p.Gln202*) in the SI gene. It is expected to result in an absent or disrupted protein product. Loss-of-function variants in SI are known to be pathogenic (PMID: 16329100, 23103650, 25452324). This variant is not present in population databases (gnomAD no frequency). This variant has not been reported in the literature in individuals affected with SI-related conditions. Algorithms developed to predict the effect of sequence changes on RNA splicing suggest that this variant may disrupt the consensus splice site. For these reasons, this variant has been classified as Pathogenic.

Literature cited by the submitters: PubMed 16329100; PubMed 23103650; PubMed 25452324.